The following is an entry in ClinVar:

NM_003072.5(SMARCA4):c.4911G>A (p.Glu1637=)

Gene: SMARCA4 (SWI/SNF related BAF chromatin remodeling complex subunit ATPase 4; plus strand). Cytogenetic location: 19p13.2.
Variant type: single nucleotide variant.
Coding change: c.4911G>A on transcript NM_003072.5 (MANE Select); coding-DNA position 4911, G replaced by A.
Protein change: p.Glu1637=; no amino-acid change (glutamic acid 1637 retained).
Molecular consequence: synonymous variant. On other transcripts: non-coding transcript variant (1).
Genome position (GRCh38, 1-based): chr19:11,060,187, G>A. VCF-style: chr19-11060187-G-A. GRCh37 (hg19) VCF-style: chr19-11170863-G-A.
Other names: c.4911G>A, p.Glu1637= (NM_001128844.3); c.4821G>A, p.Glu1607= (NM_001128845.2); c.4818G>A, p.Glu1606= (NM_001128846.2); c.4812G>A, p.Glu1604= (NM_001128847.4, NM_001374457.1); c.4809G>A, p.Glu1603= (NM_001128848.2); c.5007G>A, p.Glu1669= (NM_001128849.3, NM_001387283.1).
Identifiers: ClinVar variation 1419248 (VCV001419248.8), dbSNP rs2147127404, ClinGen allele CA505495544.

ClinVar aggregate classification (germline): Uncertain significance (1 of 4 stars; one submission).

Conditions:
Rhabdoid tumor predisposition syndrome 2 (RTPS2). Identifiers: Orphanet 231108, Orphanet 69077, MedGen C2750074, MONDO:0013224, OMIM 613325.

Submission:

Labcorp Genetics (formerly Invitae), Labcorp
Classification: Uncertain significance for Rhabdoid tumor predisposition syndrome 2. Last evaluated: 2021-05-28. Review status: criteria provided, single submitter. Criteria: Invitae Variant Classification Sherloc (09022015). Collection method: clinical testing. Allele origin: germline.
Comment: This sequence change affects codon 1669 of the SMARCA4 mRNA. It is a 'silent' change, meaning that it does not change the encoded amino acid sequence of the SMARCA4 protein. This variant is not present in population databases (ExAC no frequency). This variant has not been reported in the literature in individuals with SMARCA4-related conditions. Algorithms developed to predict the effect of sequence changes on RNA splicing suggest that this variant may disrupt the consensus splice site, but this prediction has not been confirmed by published transcriptional studies. In summary, the available evidence is currently insufficient to determine the role of this variant in disease. Therefore, it has been classified as a Variant of Uncertain Significance.